The following is an entry in ClinVar:

ClinVar aggregate classification (germline): Uncertain significance (1 of 4 stars; one submission).

Conditions:
Familial hemophagocytic lymphohistiocytosis 5. Also called: STXBP2-Related Familial Hemophagocytic Lymphohistiocytosis (STXBP2-fHLH). Identifiers: Orphanet 540, MedGen C2751293, MONDO:0013135, OMIM 613101.

Allele frequency attached by ClinVar (database versions not stated): gnomAD exomes below 0.00001; ExAC 0.00001.
gnomAD v4.1: 2 of 1,611,678 alleles (0.00012%); highest among the groups gnomAD compares: South Asian, 0.0022%; no homozygotes.

Submission:

Labcorp Genetics (formerly Invitae), Labcorp
Classification: Uncertain significance for Familial hemophagocytic lymphohistiocytosis 5. Last evaluated: 2022-10-03. Review status: criteria provided, single submitter. Criteria: Invitae Variant Classification Sherloc (09022015). Collection method: clinical testing. Allele origin: germline.
Comment: This sequence change replaces glutamic acid, which is acidic and polar, with glycine, which is neutral and non-polar, at codon 467 of the STXBP2 protein (p.Glu467Gly). In summary, the available evidence is currently insufficient to determine the role of this variant in disease. Therefore, it has been classified as a Variant of Uncertain Significance. Advanced modeling of protein sequence and biophysical properties (such as structural, functional, and spatial information, amino acid conservation, physicochemical variation, residue mobility, and thermodynamic stability) performed at Invitae indicates that this missense variant is not expected to disrupt STXBP2 protein function. This variant has not been reported in the literature in individuals affected with STXBP2-related conditions. This variant is present in population databases (rs768388352, gnomAD 0.003%).

NM_006949.4(STXBP2):c.1400A>G (p.Glu467Gly)

Gene: STXBP2 (syntaxin binding protein 2; plus strand). Cytogenetic location: 19p13.2.
Variant type: single nucleotide variant.
Coding change: c.1400A>G on transcript NM_006949.4 (MANE Select); coding-DNA position 1400, A replaced by G.
Protein change: p.Glu467Gly; replaces glutamic acid 467 with glycine.
Molecular consequence: missense variant. On other transcripts: non-coding transcript variant (1).
Genome position (GRCh38, 1-based): chr19:7,646,292, A>G. VCF-style: chr19-7646292-A-G. GRCh37 (hg19) VCF-style: chr19-7711178-A-G.
Other names: c.1391A>G, p.Glu464Gly (NM_001127396.3); c.1433A>G, p.Glu478Gly (NM_001272034.2); short protein forms E464G, E467G, E478G.
Identifiers: ClinVar variation 1720908 (VCV001720908.6), dbSNP rs768388352, ClinGen allele CA9144142.